The following is an entry in ClinVar:

NM_033380.3(COL4A5):c.3890G>T (p.Gly1297Val)

Gene: COL4A5 (collagen type IV alpha 5 chain; plus strand). Cytogenetic location: Xq22.3.
Variant type: single nucleotide variant.
Coding change: c.3890G>T on transcript NM_033380.3 (MANE Select); coding-DNA position 3890, G replaced by T.
Protein change: p.Gly1297Val; replaces glycine 1297 with valine.
Molecular consequence: missense variant.
Genome position (GRCh38, 1-based): chrX:108,677,581, G>T. VCF-style: chrX-108677581-G-T. GRCh37 (hg19) VCF-style: chrX-107920811-G-T.
Other names: c.3872G>T, p.Gly1291Val (NM_000495.5); short protein forms G1297V, G1291V.
Identifiers: ClinVar variation 2857217 (VCV002857217.3), dbSNP rs2524602624, ClinGen allele CA413850471.

ClinVar aggregate classification (germline): Likely pathogenic (1 of 4 stars; one submission).

Submission:

Labcorp Genetics (formerly Invitae), Labcorp
Classification: Likely pathogenic. Last evaluated: 2023-04-18. Review status: criteria provided, single submitter. Criteria: Invitae Variant Classification Sherloc (09022015). Collection method: clinical testing. Allele origin: germline.
Comment: In summary, the currently available evidence indicates that the variant is pathogenic, but additional data are needed to prove that conclusively. Therefore, this variant has been classified as Likely Pathogenic. This variant disrupts the triple helix domain of COL4A5. Glycine residues within the Gly-Xaa-Yaa repeats of the triple helix domain are required for the structure and stability of fibrillar collagens (PMID: 7695699, 8218237, 19344236). In COL4A5, missense variants at these glycine residues are significantly enriched in individuals with disease (PMID: 23720012, 27627812) compared to the general population (ExAC). Advanced modeling of protein sequence and biophysical properties (such as structural, functional, and spatial information, amino acid conservation, physicochemical variation, residue mobility, and thermodynamic stability) performed at Invitae indicates that this missense variant is expected to disrupt COL4A5 protein function. This variant has not been reported in the literature in individuals affected with COL4A5-related conditions. This variant is not present in population databases (gnomAD no frequency). This sequence change replaces glycine, which is neutral and non-polar, with valine, which is neutral and non-polar, at codon 1291 of the COL4A5 protein (p.Gly1291Val).

Literature cited by the submitters: PubMed 7695699; PubMed 8218237; PubMed 19344236; PubMed 23720012; PubMed 27627812.